The following is an entry in ClinVar:

ClinVar aggregate classification (germline): Conflicting classifications of pathogenicity. Review status: criteria provided, conflicting classifications (1 of 4 stars). 15 submissions from 14 submitters: Uncertain significance (13); Likely benign (2). Last evaluated 2026-09-21.

Conditions:
WFS1-Related Spectrum Disorders.
Autosomal dominant nonsyndromic hearing loss 6 (LFSNHL). Also called: DEAFNESS, AUTOSOMAL DOMINANT 6; DEAFNESS, AUTOSOMAL DOMINANT 14; DEAFNESS, AUTOSOMAL DOMINANT 38; Autosomal dominant nonsyndromic deafness 6. Identifiers: Orphanet 90635, MedGen C1833021, MONDO:0010963, OMIM 600965.
Type 2 diabetes mellitus. Also called: Type II diabetes mellitus. Identifiers: MedGen C0011860, MeSH D003924, MONDO:0005148, OMIM 125853, HP:0005978.
Cataract 41 (CTRCT41). Also called: CATARACT 41, CONGENITAL NUCLEAR TYPE. Identifiers: Orphanet 91492, Orphanet 98991, Orphanet 98992, Orphanet 98995, MedGen C3805412, MONDO:0007287, OMIM 116400.
Wolfram-like syndrome. Also called: HEARING LOSS, PROGRESSIVE, WITH OPTIC ATROPHY AND/OR IMPAIRED GLUCOSE REGULATION. Identifiers: Orphanet 411590, MedGen C3280358, MONDO:0013673, OMIM 614296.
Wolfram syndrome 1 (WFS1). Identifiers: Orphanet 3463, MedGen C4551693, MONDO:0009101, OMIM 222300.
WFS1-related disorder. Identifiers: MedGen CN379391, MONDO:0700293.
Monogenic diabetes. Identifiers: Orphanet 183625, MedGen C3888631, MONDO:0015967.
Inborn genetic diseases. Identifiers: MedGen C0950123, MeSH D030342.
Hereditary ataxia. Also called: Hereditary Ataxias. Identifiers: Orphanet 183518, MedGen C0004138, MONDO:0100309, MONDO:0000557.

Allele frequency attached by ClinVar (database versions not stated): gnomAD 0.00012 and 0.00014; TOPMed 0.00016; 1000 Genomes Project 0.00020; ESP Exome Variant Server 0.00023; ExAC 0.00027; gnomAD exomes 0.00030 and 0.00042; 1000 Genomes Project 30x 0.00031.
gnomAD v4.1: 648 of 1,613,594 alleles (0.04%); highest among the groups gnomAD compares: South Asian, 0.11%; 1 homozygote.

Submissions (15):

PreventionGenetics, part of Exact Sciences
Classification: Uncertain significance for WFS1-related condition. Last evaluated: 2026-09-21. Review status: criteria provided, single submitter. Criteria: ACMG Guidelines, 2015. Collection method: clinical testing. Allele origin: germline.
Comment: The WFS1 c.728C>T variant is predicted to result in the amino acid substitution p.Ala243Val. This variant has been reported in an individual with cerebellar ataxia along with a second WFS1 variant (p.Arg456Cys, Fogel et al 2014. PubMed ID: 25133958), in one individual with hearing loss (Table S11, Lewis et al. 2018. PubMed ID: 30180840), and along with a second WFS1 variant in one patient with features consistent with Wolfram syndrome (p.Ala134Thr, Appendix 1, Wallis et al. 2024. PubMed ID: 39095811). This variant is reported in 0.12% of alleles in individuals of South Asian descent in gnomAD, including one homozygote in gnomAD v4.1.1. Although we suspect that this variant may be benign, at this time, the clinical significance of this variant is uncertain due to the absence of conclusive functional and genetic evidence.

Labcorp Genetics (formerly Invitae), Labcorp
Classification: Likely benign. Last evaluated: 2025-11-16. Review status: criteria provided, single submitter. Criteria: Invitae Variant Classification Sherloc (09022015). Collection method: clinical testing. Allele origin: germline.

Women's Health and Genetics/Laboratory Corporation of America, LabCorp
Classification: Uncertain significance. Last evaluated: 2025-09-29. Review status: criteria provided, single submitter. Criteria: LabCorp Variant Classification Summary - May 2015. Collection method: clinical testing. Allele origin: germline.
Comment: Variant summary: WFS1 c.728C>T (p.Ala243Val) results in a non-conservative amino acid change in the encoded protein sequence. Algorithms developed to predict the effect of missense changes on protein structure and function are either unavailable or do not agree on the potential impact of this missense change. The variant allele was found at a frequency of 0.0003 in 251324 control chromosomes (gnomAD). This frequency is not significantly higher than estimated for disease-causing variants in WFS1, allowing no conclusion about variant significance. c.728C>T has been observed in individuals affected with cerebellar ataxia (Fogel_2014, Wallis_2024). These reports do not provide unequivocal conclusions about association of the variant with Wolfram Syndrome 1. To our knowledge, no experimental evidence demonstrating an impact on protein function has been reported. The following publications have been ascertained in the context of this evaluation (PMID: 25133958, 39095811). ClinVar contains an entry for this variant (Variation ID: 215381). Based on the evidence outlined above, the variant was classified as uncertain significance.

CeGaT Center for Human Genetics Tuebingen
Classification: Uncertain significance. Last evaluated: 2025-02-01. Review status: criteria provided, single submitter. Criteria: CeGaT Center For Human Genetics Tuebingen Variant Classification Criteria Version 2. Collection method: clinical testing. Allele origin: germline. Affected: yes. Observed: 1 variant allele.

Blueprint Genetics
Classification: Uncertain significance. Last evaluated: 2024-10-08. Review status: criteria provided, single submitter. Criteria: ACMG Guidelines, 2015. Collection method: clinical testing. Allele origin: germline.

Ambry Genetics
Classification: Uncertain significance for Inborn genetic diseases. Last evaluated: 2022-08-26. Review status: criteria provided, single submitter. Criteria: Ambry Variant Classification Scheme 2023. Collection method: clinical testing. Allele origin: germline.
Comment: Unlikely to be causative of WFS1-related Wolfram syndrome (AD) Based on insufficient or conflicting evidence, the clinical significance of this alteration remains unclear.

Department of Pathology and Laboratory Medicine, Sinai Health System
Classification: Uncertain significance for Cataract 41; Type 2 diabetes mellitus; Wolfram syndrome 1; Autosomal dominant nonsyndromic hearing loss 6; Wolfram-like syndrome. Last evaluated: 2021-07-30. Review status: criteria provided, single submitter. Criteria: ACMG Guidelines, 2015. Collection method: research. Allele origin: germline.

GeneDx
Classification: Likely benign. Last evaluated: 2021-01-07. Review status: criteria provided, single submitter. Criteria: GeneDx Variant Classification Process June 2021. Collection method: clinical testing. Allele origin: germline. Affected: yes.
Comment: This variant is associated with the following publications: (PMID: 25133958)

Cambridge Genomics Laboratory, East Genomic Laboratory Hub, NHS Genomic Medicine Service
Classification: Uncertain significance for Hereditary ataxia. Last evaluated: 2019-04-17. Review status: criteria provided, single submitter. Criteria: ACGS Best Practice Guidelines for Variant Classification in Rare Disease 2020. Collection method: clinical testing. Allele origin: germline. Affected: yes. Observed: 1 variant allele.

Fulgent Genetics
Classification: Uncertain significance for Cataract 41; Type 2 diabetes mellitus; Wolfram syndrome 1; Autosomal dominant nonsyndromic hearing loss 6; Wolfram-like syndrome. Last evaluated: 2018-10-31. Review status: criteria provided, single submitter. Criteria: ACMG Guidelines, 2015. Collection method: clinical testing. Allele origin: unknown.

Laboratory for Molecular Medicine, Mass General Brigham Personalized Medicine
Classification: Uncertain significance. Last evaluated: 2018-09-04. Review status: criteria provided, single submitter. Criteria: LMM Criteria. Collection method: clinical testing. Allele origin: germline. Observed: 2 variant alleles.
Comment: Variant classified as Uncertain Significance - Favor Benign. This variant has also been identified in 0.12% (38/30778) of So uth Asian chromosomes by gnomAD. Computationa l prediction tools and conservation analysis suggest that this variant may not i mpact the protein, though this information is not predictive enough to rule out pathogenicity. In summary, while the clinical significance of this variant is un certain, these data suggest that it is more likely to be benign. ACMG/AMP Criter ia applied: BS1_Supporting, BP4.

Personalized Diabetes Medicine Program, University of Maryland School of Medicine
Classification: Uncertain significance for Monogenic diabetes. Last evaluated: 2018-05-18. Review status: criteria provided, single submitter. Criteria: ACMG Guidelines, 2015. Collection method: research. Allele origin: unknown. Observed: 1 variant allele, 1 heterozygote.

Eurofins Ntd Llc (ga)
Classification: Uncertain significance. Last evaluated: 2018-02-27. Review status: criteria provided, single submitter. Criteria: EGL ClinVar v180209 classification definitions. Collection method: clinical testing. Allele origin: germline. Observed: 2 variant alleles, 2 heterozygotes.

Illumina Laboratory Services, Illumina
Classification: Uncertain significance for WFS1-Related Spectrum Disorders. Last evaluated: 2017-04-27. Review status: criteria provided, single submitter. Criteria: ICSL Variant Classification Criteria 13 December 2019. Collection method: clinical testing. Allele origin: germline.
Comment: This variant was observed as part of a predisposition screen in an ostensibly healthy population. A literature search was performed for the gene, cDNA change, and amino acid change (where applicable). Publications were found based on this search. However, the evidence from the literature, in combination with allele frequency data from public databases where available, was not sufficient to rule this variant in or out of causing disease. Therefore, this variant is classified as a variant of unknown significance.

Illumina Laboratory Services, Illumina
Classification: Uncertain significance for Autosomal dominant nonsyndromic hearing loss 6. Last evaluated: 2017-04-27. Review status: criteria provided, single submitter. Criteria: ICSL Variant Classification Criteria 13 December 2019. Collection method: clinical testing. Allele origin: germline.

Literature cited by the submitters: PubMed 25133958 (cited by 5 submitters); PubMed 39095811 (cited by Women's Health and Genetics/Laboratory Corporation of America, LabCorp); PubMed 30180840 (cited by Ambry Genetics).

NM_006005.3(WFS1):c.728C>T (p.Ala243Val)

Gene: WFS1 (wolframin ER transmembrane glycoprotein; plus strand). Cytogenetic location: 4p16.1.
Variant type: single nucleotide variant.
Coding change: c.728C>T on transcript NM_006005.3 (MANE Select); coding-DNA position 728, C replaced by T.
Protein change: p.Ala243Val; replaces alanine 243 with valine.
Molecular consequence: missense variant.
Genome position (GRCh38, 1-based): chr4:6,295,056, C>T. VCF-style: chr4-6295056-C-T. GRCh37 (hg19) VCF-style: chr4-6296783-C-T.
Other names: p.A243V:GCG>GTG; c.728C>T, p.Ala243Val (NM_001145853.1); short protein forms A243V.
Identifiers: ClinVar variation 215381 (VCV000215381.45), dbSNP rs147147660, ClinGen allele CA324030.